The following is an entry in ClinVar:

NM_001323289.2(CDKL5):c.1945-5T>C

Gene: CDKL5 (cyclin dependent kinase like 5; plus strand). Cytogenetic location: Xp22.13.
Variant type: single nucleotide variant.
Coding change: c.1945-5T>C on transcript NM_001323289.2 (MANE Select); 5 bases into the intron before coding-DNA position 1945, T replaced by C.
Molecular consequence: intron variant.
Genome position (GRCh38, 1-based): chrX:18,608,806, T>C. VCF-style: chrX-18608806-T-C. GRCh37 (hg19) VCF-style: chrX-18626926-T-C.
Other names: c.1945-5T>C (NM_003159.3, NM_001037343.2).
Identifiers: ClinVar variation 423121 (VCV000423121.12), dbSNP rs1064796245, ClinGen allele CA16621281.
Genomic context (GRCh38, chrX:18,608,806, plus strand): 5'-GCCATGATGAGTTCCATCCCTAGGAACAGGATGCTCTTATAAATCCTTTTAAATTTTACT[T>C]CCAGCCTGGAGAACAGCTCCCTCCAGAGATGACTGTGGCAAGATCTTCGGTCAAAGAGAC-3'

ClinVar aggregate classification (germline): Conflicting classifications of pathogenicity. Review status: criteria provided, conflicting classifications (1 of 4 stars). 2 submissions from 2 submitters: Uncertain significance (1); Likely benign (1). Last evaluated 2025-02-06.

Conditions:
Developmental and epileptic encephalopathy, 2 (DEE2). Also called: INFANTILE SPASM SYNDROME, X-LINKED 2; CDKL5 deficiency disorder. Identifiers: Orphanet 1934, Orphanet 3451, Orphanet 505652, MedGen C4750718, MONDO:0010396, OMIM 300672.
Angelman syndrome-like. Identifiers: MedGen CN128785.

Allele frequency attached by ClinVar (database versions not stated): gnomAD exomes below 0.00001; TOPMed 0.00001.
gnomAD v4.1: 2 of 1,186,928 alleles (0.00017%); highest among the groups gnomAD compares: East Asian, 0.003%; no homozygotes.

Submissions (2):

Labcorp Genetics (formerly Invitae), Labcorp
Classification: Likely benign for Developmental and epileptic encephalopathy, 2; Angelman syndrome-like. Last evaluated: 2025-02-06. Review status: criteria provided, single submitter. Criteria: Invitae Variant Classification Sherloc (09022015). Collection method: clinical testing. Allele origin: germline.

GeneDx
Classification: Uncertain significance. Last evaluated: 2018-01-31. Review status: criteria provided, single submitter. Criteria: GeneDx Variant Classification (06012015). Collection method: clinical testing. Allele origin: germline. Affected: yes.
Comment: The c.1945-5 T>C variant has not been published as a pathogenic variant, nor has it been reported as a benign variant to our knowledge. The c.1945-5 T>C variant is not observed in large population cohorts (Lek et al., 2016; 1000 Genomes Consortium et al., 2015; Exome Variant Server). Several in-silico splice prediction models predict that c.1945-5 T>C reduces the quality of the natural splice acceptor site which may lead to abnormal gene splicing. However, in the absence of RNA/functional studies, the actual effect of this sequence change in this individual is unknown. Therefore, based on the currently available information, it is unclear whether this variant is a pathogenic variant or a rare benign variant.